The following is an entry in ClinVar:

ClinVar aggregate classification (germline): Likely pathogenic (1 of 4 stars; one submission).

Conditions:
CACNA1F-related disorder. Also called: CACNA1F-related condition.

gnomAD v4.1: 1 of 1,199,661 alleles (0.000083%); highest among the groups gnomAD compares: Non-Finnish European, 0.00011%; no homozygotes.

Submission:

PreventionGenetics, part of Exact Sciences
Classification: Likely pathogenic for CACNA1F-related condition. Last evaluated: 2025-09-03. Review status: criteria provided, single submitter. Criteria: ACMG Guidelines, 2015. Collection method: clinical testing. Allele origin: germline.
Comment: The CACNA1F c.2026C>T variant is predicted to result in premature protein termination (p.Gln676*). To our knowledge, this variant has not been reported in the literature or in a large population database (gnomAD), indicating this variant is rare. Nonsense variants in CACNA1F are expected to be pathogenic. This variant is interpreted as likely pathogenic.

NM_001256789.3(CACNA1F):c.1993C>T (p.Gln665Ter)

Gene: CACNA1F (calcium voltage-gated channel subunit alpha1 F; minus strand). Cytogenetic location: Xp11.23.
Variant type: single nucleotide variant.
Coding change: c.1993C>T on transcript NM_001256789.3 (MANE Select); coding-DNA position 1993, C replaced by T.
Protein change: p.Gln665Ter; replaces glutamine 665 with a stop codon.
Molecular consequence: nonsense.
Genome position (GRCh38, 1-based): chrX:49,223,021, G>A on the plus strand (C>T on the coding strand, the complement: CACNA1F is on the minus strand). VCF-style: chrX-49223021-G-A. GRCh37 (hg19) VCF-style: chrX-49079480-G-A.
Other names: c.1831C>T, p.Gln611Ter (NM_001256790.3); c.2026C>T, p.Gln676Ter (NM_005183.4); short protein forms Q611*, Q676*, Q665*.
Identifiers: ClinVar variation 4995212 (VCV004995212.1).
Genomic context (GRCh38, chrX:49,223,021, plus strand): 5'-TGTCAAAGGTGCTTCGCTTGGTGTGGGTCTGGTCAAAGTTGAACTTGCCCCCAAACAGCT[G>A]CATGCCAAGCAGGGAGAAGATAATGATGAAGAGGAAGAGGAGAAGCAGCAAGGATGCGAT-3'